The following is an entry in ClinVar:

NM_006790.3(MYOT):c.702G>C (p.Arg234Ser)

Genes: MYOT (myotilin; plus strand), PKD2L2-DT (PKD2L2 divergent transcript; minus strand). Cytogenetic location: 5q31.2.
Variant type: single nucleotide variant.
Coding change: c.702G>C on transcript NM_006790.3 (MANE Select); coding-DNA position 702, G replaced by C.
Protein change: p.Arg234Ser; replaces arginine 234 with serine.
Molecular consequence: missense variant.
Genome position (GRCh38, 1-based): chr5:137,881,991, G>C. VCF-style: chr5-137881991-G-C. GRCh37 (hg19) VCF-style: chr5-137217680-G-C.
Other names: c.150G>C, p.Arg50Ser (NM_001135940.2); c.357G>C, p.Arg119Ser (NM_001300911.2); short protein forms R234S, R119S, R50S.
Identifiers: ClinVar variation 3646483 (VCV003646483.2).

ClinVar aggregate classification (germline): Uncertain significance (1 of 4 stars; one submission).

Conditions:
Myofibrillar myopathy 3 (MFM3). Also called: Muscular dystrophy, proximal, type 1A; Autosomal dominant spheroid body myopathy. Identifiers: Orphanet 266, Orphanet 268129, MedGen C3714934, MONDO:0012215, OMIM 609200.

gnomAD v4.1: 5 of 1,614,004 alleles (0.00031%); highest among the groups gnomAD compares: South Asian, 0.0044%; no homozygotes.

Submission:

Labcorp Genetics (formerly Invitae), Labcorp
Classification: Uncertain significance for Myofibrillar myopathy 3. Last evaluated: 2025-03-18. Review status: criteria provided, single submitter. Criteria: Invitae Variant Classification Sherloc (09022015). Collection method: clinical testing. Allele origin: germline.
Comment: This sequence change replaces arginine, which is basic and polar, with serine, which is neutral and polar, at codon 234 of the MYOT protein (p.Arg234Ser). This variant is not present in population databases (gnomAD no frequency). This variant has not been reported in the literature in individuals affected with MYOT-related conditions. Invitae Evidence Modeling of protein sequence and biophysical properties (such as structural, functional, and spatial information, amino acid conservation, physicochemical variation, residue mobility, and thermodynamic stability) indicates that this missense variant is not expected to disrupt MYOT protein function with a negative predictive value of 80%. In summary, the available evidence is currently insufficient to determine the role of this variant in disease. Therefore, it has been classified as a Variant of Uncertain Significance.